The following is an entry in ClinVar:

NM_173728.4(ARHGEF15):c.37A>C (p.Thr13Pro)

Gene: ARHGEF15 (Rho guanine nucleotide exchange factor 15; plus strand). Cytogenetic location: 17p13.1.
Variant type: single nucleotide variant.
Coding change: c.37A>C on transcript NM_173728.4 (MANE Select); coding-DNA position 37, A replaced by C.
Protein change: p.Thr13Pro; replaces threonine 13 with proline.
Molecular consequence: missense variant.
Genome position (GRCh38, 1-based): chr17:8,312,076, A>C. VCF-style: chr17-8312076-A-C. GRCh37 (hg19) VCF-style: chr17-8215394-A-C.
Other names: c.37A>C, p.Thr13Pro (NM_025014.2); short protein forms T13P.
Identifiers: ClinVar variation 1437684 (VCV001437684.9), dbSNP rs1366405067, ClinGen allele CA398013265.
Genomic context (GRCh38, chr17:8,312,076, plus strand): 5'-CTCCTTTGAAGAGCACAGAGGAAGATGTCAGCCCAGTCCCTTCCTGCAGCAACACCCCCC[A>C]CGCAGAAGCCCCCTCGGATCATCCGCCCCCGCCCTCCTTCTCGTTCCAGGGCTGCCCAGT-3'
Protein context (NP_776089.2, residues 3-23): AQSLPAATPP[Thr13Pro]QKPPRIIRPR

ClinVar aggregate classification (germline): Uncertain significance (1 of 4 stars; one submission).

Conditions:
Early-infantile DEE. Also called: Early infantile epileptic encephalopathy; Ohtahara syndrome; Early infantile epileptic encephalopathy with suppression bursts. Identifiers: Orphanet 1934, MedGen C0393706, MONDO:0800491.

Submission:

Labcorp Genetics (formerly Invitae), Labcorp
Classification: Uncertain significance for Early-infantile DEE. Last evaluated: 2024-02-16. Review status: criteria provided, single submitter. Criteria: Invitae Variant Classification Sherloc (09022015). Collection method: clinical testing. Allele origin: germline.
Comment: This sequence change replaces threonine, which is neutral and polar, with proline, which is neutral and non-polar, at codon 13 of the ARHGEF15 protein (p.Thr13Pro). The frequency data for this variant in the population databases is considered unreliable, as metrics indicate poor data quality at this position in the gnomAD database. This variant has not been reported in the literature in individuals affected with ARHGEF15-related conditions. ClinVar contains an entry for this variant (Variation ID: 1437684). An algorithm developed to predict the effect of missense changes on protein structure and function (PolyPhen-2) suggests that this variant is likely to be tolerated. In summary, the available evidence is currently insufficient to determine the role of this variant in disease. Therefore, it has been classified as a Variant of Uncertain Significance.